The following is an entry in ClinVar:

NM_001040716.2(PC):c.2782C>T (p.Arg928Trp)

Gene: PC (pyruvate carboxylase; minus strand). Cytogenetic location: 11q13.2.
Variant type: single nucleotide variant.
Coding change: c.2782C>T on transcript NM_001040716.2 (MANE Select); coding-DNA position 2782, C replaced by T.
Protein change: p.Arg928Trp; replaces arginine 928 with tryptophan.
Molecular consequence: missense variant.
Genome position (GRCh38, 1-based): chr11:66,850,053, G>A on the plus strand (C>T on the coding strand, the complement: PC is on the minus strand). VCF-style: chr11-66850053-G-A. GRCh37 (hg19) VCF-style: chr11-66617524-G-A.
Other names: c.2782C>T, p.Arg928Trp (NM_000920.4, NM_022172.3); short protein forms R928W.
Identifiers: ClinVar variation 2414443 (VCV002414443.5), dbSNP rs748420246, ClinGen allele CA6130977.

ClinVar aggregate classification (germline): Uncertain significance (1 of 4 stars; one submission).

Conditions:
Pyruvate carboxylase deficiency. Also called: ATAXIA WITH LACTIC ACIDOSIS II; Pyruvate Carboxylase Deficiency Disease; PC DEFICIENCY; LEIGH NECROTIZING ENCEPHALOPATHY DUE TO PYRUVATE CARBOXYLASE DEFICIENCY; LEIGH SYNDROME DUE TO PYRUVATE CARBOXYLASE DEFICIENCY. Identifiers: Orphanet 3008, MedGen C0034341, MONDO:0009949, OMIM 266150.

Allele frequency attached by ClinVar (database versions not stated): ExAC 0.00001; gnomAD exomes 0.00002; TOPMed 0.00002; gnomAD 0.00003.
gnomAD v4.1: 26 of 1,613,546 alleles (0.0016%); highest among the groups gnomAD compares: Non-Finnish European, 0.0021%; no homozygotes.

Submission:

Labcorp Genetics (formerly Invitae), Labcorp
Classification: Uncertain significance for Pyruvate carboxylase deficiency. Last evaluated: 2025-09-15. Review status: criteria provided, single submitter. Criteria: Invitae Variant Classification Sherloc (09022015). Collection method: clinical testing. Allele origin: germline.
Comment: This sequence change replaces arginine, which is basic and polar, with tryptophan, which is neutral and slightly polar, at codon 928 of the PC protein (p.Arg928Trp). This variant is present in population databases (rs748420246, gnomAD 0.003%). This variant has not been reported in the literature in individuals affected with PC-related conditions. ClinVar contains an entry for this variant (Variation ID: 2414443). Invitae Evidence Modeling of protein sequence and biophysical properties (such as structural, functional, and spatial information, amino acid conservation, physicochemical variation, residue mobility, and thermodynamic stability) has been performed for this missense variant. However, the output from this modeling did not meet the statistical confidence thresholds required to predict the impact of this variant on PC protein function. In summary, the available evidence is currently insufficient to determine the role of this variant in disease. Therefore, it has been classified as a Variant of Uncertain Significance.